The following is an entry in ClinVar:

NM_001142800.2(EYS):c.334G>A (p.Val112Ile)

Gene: EYS (EGF-like photoreceptor maintenance factor; minus strand). Cytogenetic location: 6q12.
Variant type: single nucleotide variant.
Coding change: c.334G>A on transcript NM_001142800.2 (MANE Select); coding-DNA position 334, G replaced by A.
Protein change: p.Val112Ile; replaces valine 112 with isoleucine.
Molecular consequence: missense variant.
Genome position (GRCh38, 1-based): chr6:65,495,077, C>T on the plus strand (G>A on the coding strand, the complement: EYS is on the minus strand). VCF-style: chr6-65495077-C-T. GRCh37 (hg19) VCF-style: chr6-66204970-C-T.
Other names: p.V112I:GTT>ATT; c.334G>A (FM209056.1); c.334G>A, p.Val112Ile (NM_001142801.2, NM_001292009.2, NM_198283.2); short protein forms V112I.
Identifiers: ClinVar variation 137260 (VCV000137260.24), dbSNP rs112609906, ClinGen allele CA202733.
Genomic context (GRCh38, chr6:65,495,077, plus strand): 5'-CTTTTAGTCTGCAGCCAAAAAGTAACTGATCTTCCGTTGTGGTATTTTGCACACAGCCAA[C>T]GAAAGATGTTTCAGAAACATTCATCAAATTTATTTCTGGAAATTGAAGAGATGGTTCAGA-3'
Protein context (NP_001136272.1, residues 102-122): NLMNVSETSF[Val112Ile]GCVQNTTTED

ClinVar aggregate classification (germline): Benign/Likely benign. Review status: criteria provided, multiple submitters, no conflicts (2 of 4 stars). 8 submissions from 8 submitters: Benign (3); Likely benign (3). 2 of the submissions do not count toward it. Last evaluated 2026-02-01.

Conditions:
Retinitis pigmentosa (RP). Identifiers: Orphanet 791, MedGen C0035334, MeSH D012174, MONDO:0019200, OMIM 268000. Inheritance: Autosomal dominant, autosomal recessive and X linked inheritance.
Retinitis pigmentosa 25 (RP25). Identifiers: Orphanet 791, MedGen C1864446, MONDO:0011272, OMIM 602772.

Allele frequency attached by ClinVar (database versions not stated): ESP Exome Variant Server 0.00408; TOPMed 0.00423; 1000 Genomes Project 30x 0.00781; 1000 Genomes Project 0.00859.
gnomAD v4.1: 8,655 of 1,614,100 alleles (0.54%); highest among the groups gnomAD compares: South Asian, 3.4%; 165 homozygotes.

Submissions (8):

Labcorp Genetics (formerly Invitae), Labcorp
Classification: Benign. Last evaluated: 2026-02-01. Review status: criteria provided, single submitter. Criteria: Invitae Variant Classification Sherloc (09022015). Collection method: clinical testing. Allele origin: germline.

Illumina Laboratory Services, Illumina
Classification: Likely benign for Retinitis pigmentosa. Last evaluated: 2018-01-12. Review status: criteria provided, single submitter. Criteria: ICSL Variant Classification Criteria 13 December 2019. Collection method: clinical testing. Allele origin: germline.
Comment: This variant was observed in the ICSL laboratory as part of a predisposition screen in an ostensibly healthy population. It had not been previously curated by ICSL or reported in the Human Gene Mutation Database (HGMD: prior to June 1st, 2018), and was therefore a candidate for classification through an automated scoring system. Utilizing variant allele frequency, disease prevalence and penetrance estimates, and inheritance mode, an automated score was calculated to assess if this variant is too frequent to cause the disease. Based on the score and internal cut-off values, a variant classified as likely benign is not then subjected to further curation. The score for this variant resulted in a classification of likely benign for this disease.

Clinical Genetics DNA and cytogenetics Diagnostics Lab, Erasmus MC, Erasmus Medical Center
Classification: Likely benign for Retinitis pigmentosa 25. Last evaluated: 2016-02-04. Review status: criteria provided, single submitter. Criteria: ACGS Guidelines, 2013. Collection method: clinical testing. Allele origin: germline. Affected: yes. Study: VKGL Data-share Consensus.

Eurofins Ntd Llc (ga)
Classification: Benign. Last evaluated: 2014-06-17. Review status: criteria provided, single submitter. Criteria: EGL Classification Definitions 2015. Collection method: clinical testing. Allele origin: germline. Observed: 1 variant allele, 1 heterozygote.

GeneDx
Classification: Benign. Last evaluated: 2011-07-05. Review status: criteria provided, single submitter. Criteria: GeneDx Variant Classification (06012015). Collection method: clinical testing. Allele origin: germline. Affected: yes.
Comment: This variant is considered likely benign or benign based on one or more of the following criteria: it is a conservative change, it occurs at a poorly conserved position in the protein, it is predicted to be benign by multiple in silico algorithms, and/or has population frequency not consistent with disease.

Breakthrough Genomics
Classification: Likely benign. Review status: criteria provided, single submitter. Criteria: ACMG Guidelines, 2015. Collection method: not provided. Allele origin: germline. Inheritance: Autosomal recessive inheritance. Affected: yes.

Natera, Inc.
Classification: Benign for Retinitis pigmentosa. Last evaluated: 2020-09-16. Review status: no assertion criteria provided. Collection method: clinical testing. Allele origin: germline. Not counted in ClinVar's aggregate classification.

Clinical Genetics, Academic Medical Center
Classification: Benign. Review status: no assertion criteria provided. Collection method: clinical testing. Allele origin: germline. Affected: yes. Study: VKGL Data-share Consensus. Not counted in ClinVar's aggregate classification.